The following is an entry in ClinVar:

NM_213599.3(ANO5):c.1359C>G (p.Tyr453Ter)

Gene: ANO5 (anoctamin 5; plus strand). Cytogenetic location: 11p14.3.
Variant type: single nucleotide variant.
Coding change: c.1359C>G on transcript NM_213599.3 (MANE Select); coding-DNA position 1359, C replaced by G.
Protein change: p.Tyr453Ter; replaces tyrosine 453 with a stop codon.
Molecular consequence: nonsense.
Genome position (GRCh38, 1-based): chr11:22,257,706, C>G. VCF-style: chr11-22257706-C-G. GRCh37 (hg19) VCF-style: chr11-22279252-C-G.
Other names: c.1356C>G, p.Tyr452Ter (NM_001142649.2); short protein forms Y452*, Y453*.
Identifiers: ClinVar variation 694040 (VCV000694040.16), dbSNP rs754889480, ClinGen allele CA5923225.

ClinVar aggregate classification (germline): Pathogenic/Likely pathogenic. Review status: criteria provided, multiple submitters, no conflicts (2 of 4 stars). 6 submissions from 6 submitters: Pathogenic (5); Likely pathogenic (1). Last evaluated 2026-04-06.

Conditions:
Autosomal recessive limb-girdle muscular dystrophy type 2L (LGMDR12). Also called: Limb-girdle muscular dystrophy, type 2L; MUSCULAR DYSTROPHY, LIMB-GIRDLE, AUTOSOMAL RECESSIVE 12; Limb-Girdle Muscular Dystrophy R12 Anoctamin-5-Related (LGMD-R12). Identifiers: Orphanet 206549, MedGen C1969785, MONDO:0012652, OMIM 611307.
Miyoshi muscular dystrophy 3 (MMD3). Also called: Miyoshi myopathy 3; Miyoshi Muscular Dystrophy 3 (MMD3). Identifiers: Orphanet 399096, MedGen C2750076, MONDO:0013222, OMIM 613319.
Gnathodiaphyseal dysplasia (GDD). Also called: OSTEOGENESIS IMPERFECTA WITH UNUSUAL SKELETAL LESIONS; GNATHODIAPHYSEAL SCLEROSIS. Identifiers: Orphanet 53697, MedGen C1833736, MONDO:0008151, OMIM 166260.

Allele frequency attached by ClinVar (database versions not stated): ExAC 0.00001.
gnomAD v4.1: 1 of 1,612,516 alleles (0.000062%); highest among the groups gnomAD compares: Admixed American, 0.0017%; no homozygotes.

Submissions (6):

Dasa
Classification: Pathogenic. Last evaluated: 2026-04-06. Review status: criteria provided, single submitter. Criteria: DASA Assertion Criteria. Collection method: clinical testing. Allele origin: germline.
Comment: NM_213599.3(ANO5):c.1359C>G (p.Tyr453*) introduces a premature termination codon predicted to result in loss of normal protein function. Loss-of-function is an established mechanism of disease for this gene. This variant has been observed in affected individuals with related phenotype in a genotype context consistent with recessive disease (PMID: 31353849). This variant has been reported in individuals with related phenotype (PMID: 31353849). The variant is present at low frequency in population datasets. Based on the available data, this variant is classified as pathogenic.

OLLIN Analises Genomicas, OLLIN
Classification: Likely pathogenic for Autosomal recessive limb-girdle muscular dystrophy type 2L. Last evaluated: 2026-02-13. Review status: criteria provided, single submitter. Criteria: ACMG Guidelines 2015 PMID 25741868. Collection method: clinical testing. Allele origin: germline. Observed: 1 variant allele.
Comment: PVS1, PM2_P

Labcorp Genetics (formerly Invitae), Labcorp
Classification: Pathogenic for Autosomal recessive limb-girdle muscular dystrophy type 2L; Gnathodiaphyseal dysplasia. Last evaluated: 2025-11-03. Review status: criteria provided, single submitter. Criteria: Invitae Variant Classification Sherloc (09022015). Collection method: clinical testing. Allele origin: germline.
Comment: This sequence change creates a premature translational stop signal (p.Tyr453*) in the ANO5 gene. It is expected to result in an absent or disrupted protein product. Loss-of-function variants in ANO5 are known to be pathogenic (PMID: 21186264, 23606453, 25891276, 30919934). This variant is present in population databases (rs754889480, gnomAD 0.003%). This premature translational stop signal has been observed in individual(s) with autosomal recessive myopathy (PMID: 31353849). ClinVar contains an entry for this variant (Variation ID: 694040). For these reasons, this variant has been classified as Pathogenic.

Laboratorio de Genetica e Diagnostico Molecular, Hospital Israelita Albert Einstein
Classification: Pathogenic for Autosomal recessive limb-girdle muscular dystrophy type 2L; Miyoshi muscular dystrophy 3. Last evaluated: 2022-08-19. Review status: criteria provided, single submitter. Criteria: ACMG Guidelines, 2015. Collection method: clinical testing. Allele origin: germline. Affected: yes.
Comment: ACMG classification criteria: PVS1 very strong, PS4 strong, PM2 moderated, PM3 moderated

Revvity Omics, Revvity
Classification: Pathogenic. Last evaluated: 2019-10-18. Review status: criteria provided, single submitter. Criteria: ACMG Guidelines, 2015. Collection method: clinical testing. Allele origin: germline.

GeniaGeo, Laboratorio Genia
Classification: Pathogenic for Autosomal recessive limb-girdle muscular dystrophy type 2L. Last evaluated: 2019-10-03. Review status: criteria provided, single submitter. Criteria: ACMG Guidelines, 2015. Collection method: clinical testing. Allele origin: germline. Inheritance: Autosomal recessive inheritance. Affected: yes.

Literature cited by the submitters: PubMed 31353849 (cited by Dasa and Labcorp Genetics (formerly Invitae), Labcorp); PubMed 21186264 (cited by Labcorp Genetics (formerly Invitae), Labcorp); PubMed 23606453 (cited by Labcorp Genetics (formerly Invitae), Labcorp); PubMed 25891276 (cited by Labcorp Genetics (formerly Invitae), Labcorp); PubMed 30919934 (cited by Labcorp Genetics (formerly Invitae), Labcorp).